The following is an entry in ClinVar:

ClinVar aggregate classification (germline): Uncertain significance (1 of 4 stars; one submission).

Conditions:
Catecholaminergic polymorphic ventricular tachycardia 1. Also called: VENTRICULAR TACHYCARDIA, CATECHOLAMINERGIC POLYMORPHIC, 1, WITH OR WITHOUT ATRIAL DYSFUNCTION AND/OR DILATED CARDIOMYOPATHY; RYR2-Related Catecholaminergic Polymorphic Ventricular Tachycardia; VENTRICULAR TACHYCARDIA, STRESS-INDUCED POLYMORPHIC 1. Identifiers: Orphanet 3286, MedGen C1631597, MONDO:0011484, OMIM 604772.

gnomAD v4.1: 2 of 1,257,670 alleles (0.00016%); highest among the groups gnomAD compares: Non-Finnish European, 0.0002%; no homozygotes.

Submission:

Labcorp Genetics (formerly Invitae), Labcorp
Classification: Uncertain significance for Catecholaminergic polymorphic ventricular tachycardia 1. Last evaluated: 2025-07-02. Review status: criteria provided, single submitter. Criteria: Invitae Variant Classification Sherloc (09022015). Collection method: clinical testing. Allele origin: germline.
Comment: This sequence change falls in intron 1 of the RYR2 gene. It does not directly change the encoded amino acid sequence of the RYR2 protein. This variant is not present in population databases (gnomAD no frequency). This variant has not been reported in the literature in individuals affected with RYR2-related conditions. Algorithms developed to predict the effect of sequence changes on RNA splicing suggest that this variant may create or strengthen a splice site. In summary, the available evidence is currently insufficient to determine the role of this variant in disease. Therefore, it has been classified as a Variant of Uncertain Significance.

NM_001035.3(RYR2):c.48+13C>A

Gene: RYR2 (ryanodine receptor 2; plus strand). Cytogenetic location: 1q43.
Variant type: single nucleotide variant.
Coding change: c.48+13C>A on transcript NM_001035.3 (MANE Select); 13 bases into the intron after coding-DNA position 48, C replaced by A.
Molecular consequence: intron variant.
Genome position (GRCh38, 1-based): chr1:237,042,582, C>A. VCF-style: chr1-237042582-C-A. GRCh37 (hg19) VCF-style: chr1-237205882-C-A.
Identifiers: ClinVar variation 4748902 (VCV004748902.1).